The following is an entry in ClinVar:

ClinVar aggregate classification (germline): Likely benign. Review status: criteria provided, multiple submitters, no conflicts (2 of 4 stars). 3 submissions from 3 submitters: Likely benign (3). Last evaluated 2026-01-09.

Conditions:
Familial hemophagocytic lymphohistiocytosis 5. Also called: STXBP2-Related Familial Hemophagocytic Lymphohistiocytosis (STXBP2-fHLH). Identifiers: Orphanet 540, MedGen C2751293, MONDO:0013135, OMIM 613101.

Allele frequency attached by ClinVar (database versions not stated): gnomAD exomes 0.00003 and 0.00006; ExAC 0.00015; ESP Exome Variant Server 0.00023; TOPMed 0.00024; gnomAD 0.00027; 1000 Genomes Project 0.00060; 1000 Genomes Project 30x 0.00062.
gnomAD v4.1: 84 of 1,589,630 alleles (0.0053%); highest among the groups gnomAD compares: African/African-American, 0.11%; no homozygotes.

Submissions (3):

Labcorp Genetics (formerly Invitae), Labcorp
Classification: Likely benign for Familial hemophagocytic lymphohistiocytosis 5. Last evaluated: 2026-01-09. Review status: criteria provided, single submitter. Criteria: Invitae Variant Classification Sherloc (09022015). Collection method: clinical testing. Allele origin: germline.

Blueprint Genetics
Classification: Likely benign. Last evaluated: 2024-06-05. Review status: criteria provided, single submitter. Criteria: ACMG Guidelines, 2015. Collection method: clinical testing. Allele origin: germline.

Women's Health and Genetics/Laboratory Corporation of America, LabCorp
Classification: Likely benign. Last evaluated: 2023-09-19. Review status: criteria provided, single submitter. Criteria: LabCorp Variant Classification Summary - May 2015. Collection method: clinical testing. Allele origin: germline.
Comment: Variant summary: STXBP2 c.1357-13G>A alters a non-conserved nucleotide located at a position not widely known to affect splicing. Consensus agreement among computation tools predict no significant impact on normal splicing. However, these predictions have yet to be confirmed by functional studies. The variant allele was found at a frequency of 5.8e-05 in 206418 control chromosomes (gnomAD). This frequency is not significantly higher than estimated for a pathogenic variant in STXBP2 causing Familial Hemophagocytic Lymphohistiocytosis (5.8e-05 vs 0.0022), allowing no conclusion about variant significance. c.1357-13G>A has been reported in the literature in at least one individual with Secondary Hemophagocytic Lymphohistiocytosis (e.g., Eloseily_2020). This report does not allow conclusions about association of the variant with Familial Hemophagocytic Lymphohistiocytosis. To our knowledge, no experimental evidence demonstrating an impact on protein function has been reported. The following publication was ascertained in the context of this evaluation (PMID: 31513353). One submitter has reported clinical-significance assessments for this variant to ClinVar after 2014 and has classified the variant as likely benign. Based on the evidence outlined above, the variant was classified as likely benign.

Literature cited by the submitters: PubMed 31513353 (cited by Women's Health and Genetics/Laboratory Corporation of America, LabCorp).

NM_006949.4(STXBP2):c.1357-13G>A

Gene: STXBP2 (syntaxin binding protein 2; plus strand). Cytogenetic location: 19p13.2.
Variant type: single nucleotide variant.
Coding change: c.1357-13G>A on transcript NM_006949.4 (MANE Select); 13 bases into the intron before coding-DNA position 1357, G replaced by A.
Molecular consequence: intron variant.
Genome position (GRCh38, 1-based): chr19:7,646,236, G>A. VCF-style: chr19-7646236-G-A. GRCh37 (hg19) VCF-style: chr19-7711122-G-A.
Other names: c.1390-13G>A (NM_001272034.2); c.1348-13G>A (NM_001127396.3); c.1357-13G>A (NM_006949.3).
Identifiers: ClinVar variation 1606406 (VCV001606406.10), dbSNP rs370994106, ClinGen allele CA9144126.